The following is an entry in ClinVar:

ClinVar aggregate classification (germline): Conflicting classifications of pathogenicity. Review status: criteria provided, conflicting classifications (1 of 4 stars). 2 submissions from 2 submitters: Uncertain significance (1); Benign (1). Last evaluated 2023-02-20.

Conditions:
Kabuki syndrome. Also called: Kabuki make-up syndrome; NIIKAWA-KUROKI SYNDROME. Identifiers: Orphanet 2322, MedGen C0796004, MONDO:0016512.

Allele frequency attached by ClinVar (database versions not stated): ExAC 0.00001; TOPMed 0.00001; gnomAD exomes 0.00002 and 0.00004.
gnomAD v4.1: 51 of 1,604,428 alleles (0.0032%); highest among the groups gnomAD compares: Non-Finnish European, 0.0043%; no homozygotes.

Submissions (2):

Labcorp Genetics (formerly Invitae), Labcorp
Classification: Benign for Kabuki syndrome. Last evaluated: 2023-02-20. Review status: criteria provided, single submitter. Criteria: Invitae Variant Classification Sherloc (09022015). Collection method: clinical testing. Allele origin: germline.

GeneDx
Classification: Uncertain significance. Last evaluated: 2020-01-30. Review status: criteria provided, single submitter. Criteria: GeneDx Variant Classification Process June 2021. Collection method: clinical testing. Allele origin: germline. Affected: yes.
Comment: In silico analysis, which includes protein predictors and evolutionary conservation, supports that this variant does not alter protein structure/function; Has not been previously published as pathogenic or benign to our knowledge

NM_003482.4(KMT2D):c.2110G>T (p.Asp704Tyr)

Gene: KMT2D (lysine methyltransferase 2D; minus strand). Cytogenetic location: 12q13.12.
Variant type: single nucleotide variant.
Coding change: c.2110G>T on transcript NM_003482.4 (MANE Select); coding-DNA position 2110, G replaced by T.
Protein change: p.Asp704Tyr; replaces aspartic acid 704 with tyrosine.
Molecular consequence: missense variant.
Genome position (GRCh38, 1-based): chr12:49,051,573, C>A on the plus strand (G>T on the coding strand, the complement: KMT2D is on the minus strand). VCF-style: chr12-49051573-C-A. GRCh37 (hg19) VCF-style: chr12-49445356-C-A.
Other names: short protein forms D704Y.
Identifiers: ClinVar variation 1311767 (VCV001311767.5), dbSNP rs761977604, ClinGen allele CA6548344.